The following is an entry in ClinVar:

NM_002471.4(MYH6):c.5400delinsGA (p.Asp1800fs)

Gene: MYH6 (myosin heavy chain 6; minus strand). Cytogenetic location: 14q11.2.
Variant type: Indel.
Coding change: c.5400delinsGA on transcript NM_002471.4 (MANE Select); coding-DNA position 5400, C replaced by GA.
Protein change: p.Asp1800fs; shifts the reading frame from aspartic acid 1800.
Molecular consequence: frameshift variant.
Genome position (GRCh38, 1-based): chr14:23,384,607, G replaced by TC on the plus strand (C replaced by GA on the coding strand, the reverse complement: MYH6 is on the minus strand). VCF-style: chr14-23384607-G-TC. GRCh37 (hg19) VCF-style: chr14-23853816-G-TC.
Other names: short protein forms D1800fs.
Identifiers: ClinVar variation 4535440 (VCV004535440.6).

ClinVar aggregate classification (germline): Uncertain significance (1 of 4 stars; one submission).

Submission:

CeGaT Center for Human Genetics Tuebingen
Classification: Uncertain significance. Last evaluated: 2025-11-01. Review status: criteria provided, single submitter. Criteria: CeGaT Center For Human Genetics Tuebingen Variant Classification Criteria Version 2. Collection method: clinical testing. Allele origin: germline. Affected: yes. Observed: 1 variant allele.
Comment: MYH6: PVS1:Moderate, PM2:Supporting